The following is an entry in ClinVar:

NM_031844.3(HNRNPU):c.2126G>A (p.Arg709His)

Gene: HNRNPU (heterogeneous nuclear ribonucleoprotein U; minus strand). Cytogenetic location: 1q44.
Variant type: single nucleotide variant.
Coding change: c.2126G>A on transcript NM_031844.3 (MANE Select); coding-DNA position 2126, G replaced by A.
Protein change: p.Arg709His; replaces arginine 709 with histidine.
Molecular consequence: missense variant.
Genome position (GRCh38, 1-based): chr1:244,855,945, C>T on the plus strand (G>A on the coding strand, the complement: HNRNPU is on the minus strand). VCF-style: chr1-244855945-C-T. GRCh37 (hg19) VCF-style: chr1-245019247-C-T.
Other names: c.2069G>A, p.Arg690His (NM_004501.3); short protein forms R690H, R709H.
Identifiers: ClinVar variation 1959008 (VCV001959008.5), dbSNP rs745487292, ClinGen allele CA1486316.

ClinVar aggregate classification (germline): Uncertain significance (1 of 4 stars; one submission).

Conditions:
Developmental and epileptic encephalopathy, 54. Also called: Epileptic encephalopathy, early infantile, 54; HNRNPU-Related Neurodevelopmental Disorder. Identifiers: MedGen C4479319, MONDO:0033363, OMIM 617391.

Allele frequency attached by ClinVar (database versions not stated): gnomAD exomes below 0.00001; ExAC 0.00001; TOPMed 0.00001.
gnomAD v4.1: 2 of 1,614,132 alleles (0.00012%); highest among the groups gnomAD compares: African/African-American, 0.0013%; no homozygotes.

Submission:

Labcorp Genetics (formerly Invitae), Labcorp
Classification: Uncertain significance for Developmental and epileptic encephalopathy, 54. Last evaluated: 2022-08-19. Review status: criteria provided, single submitter. Criteria: Invitae Variant Classification Sherloc (09022015). Collection method: clinical testing. Allele origin: germline.
Comment: This sequence change replaces arginine, which is basic and polar, with histidine, which is basic and polar, at codon 709 of the HNRNPU protein (p.Arg709His). This variant is present in population databases (rs745487292, gnomAD 0.003%). This variant has not been reported in the literature in individuals affected with HNRNPU-related conditions. Algorithms developed to predict the effect of missense changes on protein structure and function are either unavailable or do not agree on the potential impact of this missense change (SIFT: "Tolerated"; PolyPhen-2: "Not Available"; Align-GVGD: "Class C0"). In summary, the available evidence is currently insufficient to determine the role of this variant in disease. Therefore, it has been classified as a Variant of Uncertain Significance.